The following is an entry in ClinVar:

NM_001318852.2(MAPK8IP3):c.580G>A (p.Glu194Lys)

Gene: MAPK8IP3 (mitogen-activated protein kinase 8 interacting protein 3; plus strand). Cytogenetic location: 16p13.3.
Variant type: single nucleotide variant.
Coding change: c.580G>A on transcript NM_001318852.2 (MANE Select); coding-DNA position 580, G replaced by A.
Protein change: p.Glu194Lys; replaces glutamic acid 194 with lysine.
Molecular consequence: missense variant.
Genome position (GRCh38, 1-based): chr16:1,729,556, G>A. VCF-style: chr16-1729556-G-A. GRCh37 (hg19) VCF-style: chr16-1779557-G-A.
Other names: c.580G>A, p.Glu194Lys (NM_001040439.2, NM_015133.5, NM_033392.3); short protein forms E194K.
Identifiers: ClinVar variation 2663962 (VCV002663962.1), dbSNP rs769981954, ClinGen allele CA7816375.

ClinVar aggregate classification (germline): Uncertain significance (1 of 4 stars; one submission).

Conditions:
Neurodevelopmental disorder with or without variable brain abnormalities; NEDBA. Also called: NEURODEVELOPMENTAL DISORDER WITH OR WITHOUT VARIABLE BRAIN ABNORMALITIES. Identifiers: MedGen C5193102, MONDO:0032755, OMIM 618443.

Allele frequency attached by ClinVar (database versions not stated): gnomAD exomes below 0.00001; ExAC 0.00002.
gnomAD v4.1: 1 of 1,609,380 alleles (0.000062%); highest among the groups gnomAD compares: South Asian, 0.0011%; no homozygotes.

Submission:

Neuberg Centre For Genomic Medicine, NCGM
Classification: Uncertain significance for Neurodevelopmental disorder with or without variable brain abnormalities; NEDBA. Review status: criteria provided, single submitter. Criteria: ACMG Guidelines, 2015. Collection method: clinical testing. Allele origin: germline. Inheritance: Autosomal dominant inheritance. Affected: yes.
Comment: The missense c.580G>A (p.Glu194Lys) variant in MAPK8IP3 gene has not been reported previously as a pathogenic variant nor as a benign variant, to our knowledge. The p.Glu194Lys variant is reported with an allele frequency of 0.0004% in the gnomAD exomes database and is novel (not in any individuals) in 1000 Genomes database. This variant has not been reported to the ClinVar database. The amino acid change p.Glu194Lys in MAPK8IP3 is predicted as conserved by GERP++ and PhyloP across 100 vertebrates. The amino acid Glu at position 194 is changed to a Lys changing protein sequence and it might alter its composition and physico-chemical properties. For these reasons, this variant has been classified as a Variant of Uncertain Significance (VUS).